The following is an entry in ClinVar:

NM_002691.4(POLD1):c.1665C>A (p.Val555=)

Gene: POLD1 (DNA polymerase delta 1, catalytic subunit; plus strand). Cytogenetic location: 19q13.33.
Variant type: single nucleotide variant.
Coding change: c.1665C>A on transcript NM_002691.4 (MANE Select); coding-DNA position 1665, C replaced by A.
Protein change: p.Val555=; no amino-acid change (valine 555 retained).
Molecular consequence: synonymous variant. On other transcripts: non-coding transcript variant (1).
Genome position (GRCh38, 1-based): chr19:50,407,153, C>A. VCF-style: chr19-50407153-C-A. GRCh37 (hg19) VCF-style: chr19-50910410-C-A.
Other names: c.1665C>A, p.Val555= (NM_001256849.1, NM_001308632.1); c.1665C>A (NM_002691.2).
Identifiers: ClinVar variation 765293 (VCV000765293.12), dbSNP rs150238541, ClinGen allele CA508184135.
Genomic context (GRCh38, chr19:50,407,153, plus strand): 5'-GGCGAGGGTCACTGGCGTGCCCCTCAGCTACCTGCTCAGTCGTGGCCAGCAGGTCAAGGT[C>A]GTATCCCAGCTGTTGCGGCAGGTCAGTAGCCGAGACTTGTCCTCGCCACCCCCCACCAGG-3'
Protein context (NP_002682.2, residues 545-565): YLLSRGQQVK[Val555=]VSQLLRQAMH

ClinVar aggregate classification (germline): Benign/Likely benign. Review status: criteria provided, multiple submitters, no conflicts (2 of 4 stars). 3 submissions from 3 submitters: Benign (1); Likely benign (2). Last evaluated 2026-01-14.

Conditions:
POLD1-related polyposis and colorectal cancer syndrome (CRCS10). Also called: Colorectal cancer, susceptibility to, 10; Colorectal cancer 10; COLORECTAL CANCER, SUSCEPTIBILITY TO, ON CHROMOSOME 19q. Identifiers: Orphanet 220460, MedGen C2675481, MONDO:0012953, OMIM 612591.
Hereditary cancer-predisposing syndrome. Also called: Hereditary Cancer Syndrome; Hereditary neoplastic syndrome; Neoplastic Syndromes, Hereditary; Tumor predisposition. Identifiers: Orphanet 140162, MedGen C0027672, MeSH D009386, MONDO:0015356.

Submissions (3):

Ambry Genetics
Classification: Likely benign for Hereditary cancer-predisposing syndrome. Last evaluated: 2026-01-14. Review status: criteria provided, single submitter. Criteria: Ambry Variant Classification Scheme 2023. Collection method: clinical testing. Allele origin: germline.

Labcorp Genetics (formerly Invitae), Labcorp
Classification: Likely benign for POLD1-related polyposis and colorectal cancer syndrome. Last evaluated: 2025-12-09. Review status: criteria provided, single submitter. Criteria: Invitae Variant Classification Sherloc (09022015). Collection method: clinical testing. Allele origin: germline.

Myriad Genetics, Inc.
Classification: Benign for POLD1-related polyposis and colorectal cancer syndrome. Last evaluated: 2025-02-07. Review status: criteria provided, single submitter. Criteria: Myriad Autosomal Dominant, Autosomal Recessive and X-Linked Classification Criteria (2023). Collection method: clinical testing. Allele origin: unknown.
Comment: This variant is considered benign. This variant is a silent/synonymous amino acid change and it is not expected to impact splicing.